The following is an entry in ClinVar:

NM_001371727.1(GABRB2):c.566A>T (p.Glu189Val)

Gene: GABRB2 (gamma-aminobutyric acid type A receptor subunit beta2; minus strand). Cytogenetic location: 5q34.
Variant type: single nucleotide variant.
Coding change: c.566A>T on transcript NM_001371727.1 (MANE Select); coding-DNA position 566, A replaced by T.
Protein change: p.Glu189Val; replaces glutamic acid 189 with valine.
Molecular consequence: missense variant.
Genome position (GRCh38, 1-based): chr5:161,336,745, T>A on the plus strand (A>T on the coding strand, the complement: GABRB2 is on the minus strand). VCF-style: chr5-161336745-T-A. GRCh37 (hg19) VCF-style: chr5-160763752-T-A.
Other names: c.566A>T, p.Glu189Val (NM_000813.3, NM_021911.3); short protein forms E189V.
Identifiers: ClinVar variation 1041164 (VCV001041164.9), dbSNP rs1754004974, ClinGen allele CA362172075.
Genomic context (GRCh38, chr5:161,336,745, plus strand): 5'-TGTGGAAGTTCAATTTTCGTTACTCCTGTTACTGCATTATCATCGCCACGCCAGTAAAAC[T>A]CAATGTCATCAGTTGTGTATCCATCTGTGAAAGGAAACATACACACACACACACACAAAT-3'
Protein context (NP_001358656.1, residues 179-199): ESYGYTTDDI[Glu189Val]FYWRGDDNAV

ClinVar aggregate classification (germline): Uncertain significance (1 of 4 stars; one submission).

Conditions:
Intellectual disability. Also called: Intellectual functioning disability; Intellectual developmental disorder; intellectual disabilities. Identifiers: MedGen C3714756, MeSH D008607, MONDO:0001071, HP:0001249.

Submission:

Labcorp Genetics (formerly Invitae), Labcorp
Classification: Uncertain significance for Intellectual disability. Last evaluated: 2020-03-12. Review status: criteria provided, single submitter. Criteria: Invitae Variant Classification Sherloc (09022015). Collection method: clinical testing. Allele origin: germline.
Comment: This sequence change replaces glutamic acid with valine at codon 189 of the GABRB2 protein (p.Glu189Val). The glutamic acid residue is moderately conserved and there is a moderate physicochemical difference between glutamic acid and valine. This variant is not present in population databases (ExAC no frequency). This variant has not been reported in the literature in individuals with GABRB2-related conditions. Algorithms developed to predict the effect of missense changes on protein structure and function (SIFT, PolyPhen-2, Align-GVGD) all suggest that this variant is likely to be tolerated, but these predictions have not been confirmed by published functional studies and their clinical significance is uncertain. In summary, the available evidence is currently insufficient to determine the role of this variant in disease. Therefore, it has been classified as a Variant of Uncertain Significance.